The following is an entry in ClinVar:

ClinVar aggregate classification (germline): Uncertain significance (1 of 4 stars; one submission).

Submission:

Labcorp Genetics (formerly Invitae), Labcorp
Classification: Uncertain significance. Last evaluated: 2025-12-10. Review status: criteria provided, single submitter. Criteria: Invitae Variant Classification Sherloc (09022015). Collection method: clinical testing. Allele origin: germline.
Comment: This sequence change replaces glutamic acid, which is acidic and polar, with glycine, which is neutral and non-polar, at codon 314 of the SLC41A1 protein (p.Glu314Gly). This variant is not present in population databases (gnomAD no frequency). This variant has not been reported in the literature in individuals affected with SLC41A1-related conditions. An algorithm developed to predict the effect of missense changes on protein structure and function (PolyPhen-2) suggests that this variant is likely to be tolerated. In summary, the available evidence is currently insufficient to determine the role of this variant in disease. Therefore, it has been classified as a Variant of Uncertain Significance.

NM_173854.6(SLC41A1):c.941A>G (p.Glu314Gly)

Gene: SLC41A1 (solute carrier family 41 member 1; minus strand). Cytogenetic location: 1q32.1.
Variant type: single nucleotide variant.
Coding change: c.941A>G on transcript NM_173854.6 (MANE Select); coding-DNA position 941, A replaced by G.
Protein change: p.Glu314Gly; replaces glutamic acid 314 with glycine.
Molecular consequence: missense variant.
Genome position (GRCh38, 1-based): chr1:205,797,955, T>C on the plus strand (A>G on the coding strand, the complement: SLC41A1 is on the minus strand). VCF-style: chr1-205797955-T-C. GRCh37 (hg19) VCF-style: chr1-205767083-T-C.
Other names: short protein forms E314G.
Identifiers: ClinVar variation 4770922 (VCV004770922.1).